The following is an entry in ClinVar:

NM_006231.4(POLE):c.5909C>G (p.Ser1970Cys)

Gene: POLE (DNA polymerase epsilon, catalytic subunit; minus strand). Cytogenetic location: 12q24.33.
Variant type: single nucleotide variant.
Coding change: c.5909C>G on transcript NM_006231.4 (MANE Select); coding-DNA position 5909, C replaced by G.
Protein change: p.Ser1970Cys; replaces serine 1970 with cysteine.
Molecular consequence: missense variant.
Genome position (GRCh38, 1-based): chr12:132,634,281, G>C on the plus strand (C>G on the coding strand, the complement: POLE is on the minus strand). VCF-style: chr12-132634281-G-C. GRCh37 (hg19) VCF-style: chr12-133210867-G-C.
Other names: short protein forms S1970C.
Identifiers: ClinVar variation 2823809 (VCV002823809.3), dbSNP rs1593712166, ClinGen allele CA387371614.
Genomic context (GRCh38, chr12:132,634,281, plus strand): 5'-GCTGCCTGTGGCAAAAACTGCAAAATGTTCCAGTTGTTTTCCAGTAAATCCTCCACGTTG[G>C]ATTCCTCCGCCTCTTCCTCCTCCTCCCCATCTCTTTCCTCCTCATCGTCCTCATTTTCCT-3'
Protein context (NP_006222.2, residues 1960-1980): DGEEEEEAEE[Ser1970Cys]NVEDLLENNW

ClinVar aggregate classification (germline): Uncertain significance (1 of 4 stars; one submission).

Submission:

Labcorp Genetics (formerly Invitae), Labcorp
Classification: Uncertain significance. Last evaluated: 2024-09-01. Review status: criteria provided, single submitter. Criteria: Invitae Variant Classification Sherloc (09022015). Collection method: clinical testing. Allele origin: germline.
Comment: This sequence change replaces serine, which is neutral and polar, with cysteine, which is neutral and slightly polar, at codon 1970 of the POLE protein (p.Ser1970Cys). This variant is not present in population databases (gnomAD no frequency). This variant has not been reported in the literature in individuals affected with POLE-related conditions. Invitae Evidence Modeling of protein sequence and biophysical properties (such as structural, functional, and spatial information, amino acid conservation, physicochemical variation, residue mobility, and thermodynamic stability) indicates that this missense variant is not expected to disrupt POLE protein function with a negative predictive value of 80%. In summary, the available evidence is currently insufficient to determine the role of this variant in disease. Therefore, it has been classified as a Variant of Uncertain Significance.